The following is an entry in ClinVar:

ClinVar aggregate classification (germline): Uncertain significance. Review status: criteria provided, multiple submitters, no conflicts (2 of 4 stars). 2 submissions from 2 submitters: Uncertain significance (2). Last evaluated 2025-08-26.

Conditions:
Cardiovascular phenotype. Identifiers: MedGen CN230736.
Brugada syndrome. Also called: Sudden unexpected nocturnal death syndrome; Sudden Unexplained Death Syndrome; Sudden Unexplained Nocturnal Death Syndrome (SUNDS); Sudden unexplained nocturnal death syndrome. Identifiers: Orphanet 130, MedGen C1142166, MONDO:0015263.

Allele frequency attached by ClinVar (database versions not stated): gnomAD exomes below 0.00001; TOPMed below 0.00001.
gnomAD v4.1: 1 of 1,611,668 alleles (0.000062%); highest among the groups gnomAD compares: Non-Finnish European, 0.000085%; no homozygotes.

Submissions (2):

Ambry Genetics
Classification: Uncertain significance for Cardiovascular phenotype. Last evaluated: 2025-08-26. Review status: criteria provided, single submitter. Criteria: Ambry Variant Classification Scheme 2023. Collection method: clinical testing. Allele origin: germline.

Labcorp Genetics (formerly Invitae), Labcorp
Classification: Uncertain significance for Brugada syndrome. Last evaluated: 2022-08-18. Review status: criteria provided, single submitter. Criteria: Invitae Variant Classification Sherloc (09022015). Collection method: clinical testing. Allele origin: germline.
Comment: This sequence change replaces leucine, which is neutral and non-polar, with phenylalanine, which is neutral and non-polar, at codon 177 of the GPD1L protein (p.Leu177Phe). This variant is not present in population databases (gnomAD no frequency). This variant has not been reported in the literature in individuals affected with GPD1L-related conditions. Algorithms developed to predict the effect of missense changes on protein structure and function (SIFT, PolyPhen-2, Align-GVGD) all suggest that this variant is likely to be tolerated. In summary, the available evidence is currently insufficient to determine the role of this variant in disease. Therefore, it has been classified as a Variant of Uncertain Significance.

NM_015141.4(GPD1L):c.529C>T (p.Leu177Phe)

Gene: GPD1L (glycerol-3-phosphate dehydrogenase 1 like; plus strand). Cytogenetic location: 3p22.3.
Variant type: single nucleotide variant.
Coding change: c.529C>T on transcript NM_015141.4 (MANE Select); coding-DNA position 529, C replaced by T.
Protein change: p.Leu177Phe; replaces leucine 177 with phenylalanine.
Molecular consequence: missense variant.
Genome position (GRCh38, 1-based): chr3:32,146,645, C>T. VCF-style: chr3-32146645-C-T. GRCh37 (hg19) VCF-style: chr3-32188137-C-T.
Other names: short protein forms L177F.
Identifiers: ClinVar variation 1903570 (VCV001903570.6), dbSNP rs1700831211, ClinGen allele CA351967356.